The following is an entry in ClinVar:

ClinVar aggregate classification (germline): Uncertain significance (1 of 4 stars; one submission).

gnomAD v4.1: 3 of 1,614,092 alleles (0.00019%); highest among the groups gnomAD compares: Non-Finnish European, 0.00025%; no homozygotes.

Submission:

GeneDx
Classification: Uncertain significance. Last evaluated: 2024-05-09. Review status: criteria provided, single submitter. Criteria: GeneDx Variant Classification Process June 2021. Collection method: clinical testing. Allele origin: germline. Affected: yes.
Comment: Not observed at significant frequency in large population cohorts (gnomAD); In silico analysis supports that this missense variant has a deleterious effect on protein structure/function; Has not been previously published as pathogenic or benign to our knowledge

NM_018297.4(NGLY1):c.874T>C (p.Phe292Leu)

Gene: NGLY1 (N-glycanase 1; minus strand). Cytogenetic location: 3p24.2.
Variant type: single nucleotide variant.
Coding change: c.874T>C on transcript NM_018297.4 (MANE Select); coding-DNA position 874, T replaced by C.
Protein change: p.Phe292Leu; replaces phenylalanine 292 with leucine.
Molecular consequence: missense variant.
Genome position (GRCh38, 1-based): chr3:25,739,584, A>G on the plus strand (T>C on the coding strand, the complement: NGLY1 is on the minus strand). VCF-style: chr3-25739584-A-G. GRCh37 (hg19) VCF-style: chr3-25781075-A-G.
Other names: c.874T>C, p.Phe292Leu (NM_001145293.2, NM_001145295.2); c.748T>C, p.Phe250Leu (NM_001145294.2); short protein forms F250L, F292L.
Identifiers: ClinVar variation 3375561 (VCV003375561.1).